The following is an entry in ClinVar:

ClinVar aggregate classification (germline): Uncertain significance (0 of 4 stars; one submission).

Allele frequency attached by ClinVar (database versions not stated): gnomAD exomes 0.00003 and 0.00004; ExAC 0.00004; gnomAD 0.00001; TOPMed 0.00001; ESP Exome Variant Server 0.00008.
gnomAD v4.1: 25 of 1,604,666 alleles (0.0016%); highest among the groups gnomAD compares: East Asian, 0.018%; no homozygotes.

Submission:

Department of Pathology and Laboratory Medicine, Sinai Health System
Classification: Uncertain significance. Review status: no assertion criteria provided. Collection method: clinical testing. Allele origin: unknown. Affected: yes. Study: The Canadian Open Genetics Repository (COGR).
Comment: The ITGB4 p.Ala1497Val variant was not identified in the literature nor was it identified in ClinVar. The variant was identified in dbSNP (ID: rs142258384) and in control databases in 7 of 248362 chromosomes at a frequency of 0.00002818 (Genome Aggregation Database March 6, 2019, v2.1.1). The variant was observed in the following populations: European (non-Finnish) in 6 of 111792 chromosomes (freq: 0.000054) and Latino in 1 of 34458 chromosomes (freq: 0.000029), but was not observed in the African, Ashkenazi Jewish, East Asian, European (Finnish), Other, or South Asian populations. The p.Ala1497 residue is conserved in in mammals but not in more distantly related organisms however computational analyses (PolyPhen-2, SIFT, AlignGVGD, BLOSUM, MutationTaster) do not suggest a high likelihood of impact to the protein; this information is not predictive enough to rule out pathogenicity. The variant occurs outside of the splicing consensus sequence and in silico or computational prediction software programs (SpliceSiteFinder, MaxEntScan, NNSPLICE, GeneSplicer) do not predict a difference in splicing. In summary, based on the above information the clinical significance of this variant cannot be determined with certainty at this time. This variant is classified as a variant of uncertain significance.

NM_000213.5(ITGB4):c.4558+381C>T

Genes: GALK1 (galactokinase 1; minus strand), ITGB4 (integrin subunit beta 4; plus strand). Cytogenetic location: 17q25.1.
Variant type: single nucleotide variant.
Coding change: c.4558+381C>T on transcript NM_000213.5 (MANE Select); 381 bases into the intron after coding-DNA position 4558, C replaced by T.
Molecular consequence: intron variant. On other transcripts: missense variant (1).
Genome position (GRCh38, 1-based): chr17:75,755,196, C>T. VCF-style: chr17-75755196-C-T. GRCh37 (hg19) VCF-style: chr17-73751277-C-T.
Other names: c.4490C>T, p.Ala1497Val (NM_001005619.2); c.4348+381C>T (NM_001005731.3, NM_001438834.1, NM_001321123.2); c.*22+2838G>A (NM_001381985.1); short protein forms A1497V.
Identifiers: ClinVar variation 1050556 (VCV001050556.3), dbSNP rs142258384, ClinGen allele CA8770219.
Genomic context (GRCh38, chr17:75,755,196, plus strand): 5'-AAGGGTTCCCCCCTTCCAGGGGCCCACGAGACTCTATAATCCTGGCTGGGAGGCCAGCAG[C>T]GCCCTCCTGGGGCCCAGGTAGTACAGGGGTGGCCATCCTGTCTCCACAGCTGTCCTGCTC-3'